The following is an entry in ClinVar:

NM_138420.4(AHNAK2):c.627C>T (p.His209=)

Gene: AHNAK2 (AHNAK nucleoprotein 2; minus strand). Cytogenetic location: 14q32.33.
Variant type: single nucleotide variant.
Coding change: c.627C>T on transcript NM_138420.4 (MANE Select); coding-DNA position 627, C replaced by T.
Protein change: p.His209=; no amino-acid change (histidine 209 retained).
Molecular consequence: synonymous variant.
Genome position (GRCh38, 1-based): chr14:104,954,981, G>A on the plus strand (C>T on the coding strand, the complement: AHNAK2 is on the minus strand). VCF-style: chr14-104954981-G-A. GRCh37 (hg19) VCF-style: chr14-105421318-G-A.
Other names: c.327C>T, p.His109= (NM_001350929.2).
Identifiers: ClinVar variation 3045389 (VCV003045389.2), dbSNP rs189780647, ClinGen allele CA7384002.

ClinVar aggregate classification (germline): Likely benign (0 of 4 stars; one submission).

Conditions:
AHNAK2-related disorder. Also called: AHNAK2-related condition.

Allele frequency attached by ClinVar (database versions not stated): ExAC 0.00042; ESP Exome Variant Server 0.00082; TOPMed 0.00109; 1000 Genomes Project 30x 0.00219; 1000 Genomes Project 0.00240.
gnomAD v4.1: 353 of 1,613,292 alleles (0.022%); highest among the groups gnomAD compares: African/African-American, 0.31%; no homozygotes.

Submission:

PreventionGenetics, part of Exact Sciences
Classification: Likely benign for AHNAK2-related condition. Last evaluated: 2019-10-28. Review status: no assertion criteria provided. Collection method: clinical testing. Allele origin: germline.
Comment: This variant is classified as likely benign based on ACMG/AMP sequence variant interpretation guidelines (Richards et al. 2015 PMID: 25741868, with internal and published modifications).